The following is an entry in ClinVar:

ClinVar aggregate classification (germline): Uncertain significance (1 of 4 stars; one submission).

Submission:

GeneDx
Classification: Uncertain significance. Last evaluated: 2024-04-03. Review status: criteria provided, single submitter. Criteria: GeneDx Variant Classification Process June 2021. Collection method: clinical testing. Allele origin: germline. Affected: yes.
Comment: Not observed at significant frequency in large population cohorts (gnomAD); In silico analysis indicates that this missense variant does not alter protein structure/function; Has not been previously published as pathogenic or benign to our knowledge

NM_206933.4(USH2A):c.9870T>A (p.His3290Gln)

Gene: USH2A (usherin; minus strand). Cytogenetic location: 1q41.
Variant type: single nucleotide variant.
Coding change: c.9870T>A on transcript NM_206933.4 (MANE Select); coding-DNA position 9870, T replaced by A.
Protein change: p.His3290Gln; replaces histidine 3290 with glutamine.
Molecular consequence: missense variant.
Genome position (GRCh38, 1-based): chr1:215,798,995, A>T on the plus strand (T>A on the coding strand, the complement: USH2A is on the minus strand). VCF-style: chr1-215798995-A-T. GRCh37 (hg19) VCF-style: chr1-215972337-A-T.
Other names: short protein forms H3290Q.
Identifiers: ClinVar variation 3371589 (VCV003371589.1).
Genomic context (GRCh38, chr1:215,798,995, plus strand): 5'-TTCTCCACCACAACACTCTAAATCGTTGCTCACAATCTGTCTGCCACAGCACTTCTGGCC[A>T]TGGCCATCATGAAGCCTCCCAGCACAGCAAATCTGGTTTCCTGAGGTGGAGTACGGCATT-3'
Protein context (NP_996816.3, residues 3280-3300): ICCAGRLHDG[His3290Gln]GQKCCGRQIV